The following is an entry in ClinVar:

ClinVar aggregate classification (germline): Conflicting classifications of pathogenicity. Review status: criteria provided, conflicting classifications (1 of 4 stars). 4 submissions from 4 submitters: Pathogenic (1); Uncertain significance (3). Last evaluated 2025-06-10.

Conditions:
Inborn genetic diseases. Identifiers: MedGen C0950123, MeSH D030342.
Hearing impairment. Also called: Impaired Hearing. Identifiers: MedGen C1384666, MONDO:0005365, HP:0000365.

Allele frequency attached by ClinVar (database versions not stated): ExAC 0.00001; ESP Exome Variant Server 0.00016.
gnomAD v4.1: 13 of 1,612,740 alleles (0.00081%); highest among the groups gnomAD compares: African/African-American, 0.011%; no homozygotes.

Submissions (4):

Ambry Genetics
Classification: Uncertain significance for Inborn genetic diseases. Last evaluated: 2025-06-10. Review status: criteria provided, single submitter. Criteria: Ambry Variant Classification Scheme 2023. Collection method: clinical testing. Allele origin: germline.

GeneDx
Classification: Uncertain significance. Last evaluated: 2022-04-07. Review status: criteria provided, single submitter. Criteria: GeneDx Variant Classification Process June 2021. Collection method: clinical testing. Allele origin: germline. Affected: yes.
Comment: In silico analysis supports that this missense variant has a deleterious effect on protein structure/function; Has not been previously published as pathogenic or benign to our knowledge

Cambridge Genomics Laboratory, East Genomic Laboratory Hub, NHS Genomic Medicine Service
Classification: Pathogenic for Hearing impairment. Last evaluated: 2020-04-11. Review status: criteria provided, single submitter. Criteria: ACGS Best Practice Guidelines for Variant Classification in Rare Disease 2020. Collection method: clinical testing. Allele origin: germline. Affected: yes. Observed: 1 variant allele.

Blueprint Genetics
Classification: Uncertain significance. Last evaluated: 2019-12-02. Review status: criteria provided, single submitter. Criteria: ACMG Guidelines, 2015. Collection method: clinical testing. Allele origin: germline.

NM_016239.4(MYO15A):c.3640C>T (p.Arg1214Trp)

Gene: MYO15A (myosin XVA; plus strand). Cytogenetic location: 17p11.2.
Variant type: single nucleotide variant.
Coding change: c.3640C>T on transcript NM_016239.4 (MANE Select); coding-DNA position 3640, C replaced by T.
Protein change: p.Arg1214Trp; replaces arginine 1214 with tryptophan.
Molecular consequence: missense variant.
Genome position (GRCh38, 1-based): chr17:18,124,513, C>T. VCF-style: chr17-18124513-C-T. GRCh37 (hg19) VCF-style: chr17-18027827-C-T.
Other names: short protein forms R1214W.
Identifiers: ClinVar variation 1708837 (VCV001708837.5), dbSNP rs201056676, ClinGen allele CA8423520.